The following is an entry in ClinVar:

NM_020778.5(ALPK3):c.532C>T (p.His178Tyr)

Gene: ALPK3 (alpha kinase 3; plus strand). Cytogenetic location: 15q25.3.
Variant type: single nucleotide variant.
Coding change: c.532C>T on transcript NM_020778.5 (MANE Select); coding-DNA position 532, C replaced by T.
Protein change: p.His178Tyr; replaces histidine 178 with tyrosine.
Molecular consequence: missense variant.
Genome position (GRCh38, 1-based): chr15:84,839,811, C>T. VCF-style: chr15-84839811-C-T. GRCh37 (hg19) VCF-style: chr15-85383042-C-T.
Other names: c.1138C>T (NM_020778.4); short protein forms H178Y.
Identifiers: ClinVar variation 1507713 (VCV001507713.8), dbSNP rs892109121, ClinGen allele CA273664992.

ClinVar aggregate classification (germline): Uncertain significance. Review status: criteria provided, multiple submitters, no conflicts (2 of 4 stars). 3 submissions from 3 submitters: Uncertain significance (3). Last evaluated 2025-09-23.

Conditions:
Cardiovascular phenotype. Identifiers: MedGen CN230736.

Allele frequency attached by ClinVar (database versions not stated): gnomAD 0.00001; gnomAD exomes 0.00001; TOPMed 0.00001.
gnomAD v4.1: 12 of 1,613,994 alleles (0.00074%); highest among the groups gnomAD compares: Non-Finnish European, 0.001%; no homozygotes.

Submissions (3):

Labcorp Genetics (formerly Invitae), Labcorp
Classification: Uncertain significance. Last evaluated: 2025-09-23. Review status: criteria provided, single submitter. Criteria: Invitae Variant Classification Sherloc (09022015). Collection method: clinical testing. Allele origin: germline.
Comment: This sequence change replaces histidine, which is basic and polar, with tyrosine, which is neutral and polar, at codon 380 of the ALPK3 protein (p.His380Tyr). This variant is not present in population databases (gnomAD no frequency). This variant has not been reported in the literature in individuals affected with ALPK3-related conditions. ClinVar contains an entry for this variant (Variation ID: 1507713). Invitae Evidence Modeling of protein sequence and biophysical properties (such as structural, functional, and spatial information, amino acid conservation, physicochemical variation, residue mobility, and thermodynamic stability) indicates that this missense variant is expected to disrupt ALPK3 protein function with a positive predictive value of 80%. In summary, the available evidence is currently insufficient to determine the role of this variant in disease. Therefore, it has been classified as a Variant of Uncertain Significance.

Ambry Genetics
Classification: Uncertain significance for Cardiovascular phenotype. Last evaluated: 2024-06-09. Review status: criteria provided, single submitter. Criteria: Ambry Variant Classification Scheme 2023. Collection method: clinical testing. Allele origin: germline.
Comment: The p.H380Y variant (also known as c.1138C>T), located in coding exon 5 of the ALPK3 gene, results from a C to T substitution at nucleotide position 1138. The histidine at codon 380 is replaced by tyrosine, an amino acid with similar properties. This amino acid position is conserved. In addition, the in silico prediction for this alteration is inconclusive. Based on the available evidence, the clinical significance of this variant remains unclear.

GeneDx
Classification: Uncertain significance. Last evaluated: 2024-05-29. Review status: criteria provided, single submitter. Criteria: GeneDx Variant Classification Process June 2021. Collection method: clinical testing. Allele origin: germline.
Comment: Has not been previously published as pathogenic or benign to our knowledge; Not observed at significant frequency in large population cohorts (gnomAD); In silico analysis supports that this missense variant has a deleterious effect on protein structure/function